The following is an entry in ClinVar:

ClinVar aggregate classification (germline): Likely pathogenic (1 of 4 stars; one submission).

Conditions:
Dilated cardiomyopathy 1G (CMD1G). Identifiers: Orphanet 154, MedGen C1858763, MONDO:0011400, OMIM 604145.
Hypertrophic cardiomyopathy 9. Also called: Familial hypertrophic cardiomyopathy 9. Identifiers: MedGen C1861065, MONDO:0013412, OMIM 613765.
Early-onset myopathy with fatal cardiomyopathy (CMYO5). Also called: Salih Myopathy; CONGENITAL MYOPATHY 5 WITH CARDIOMYOPATHY. Identifiers: Orphanet 289377, MedGen C2673677, MONDO:0012714, OMIM 611705. Disease mechanism: loss of function.
Tibial muscular dystrophy (TMD). Also called: Tibial muscular dystrophy, tardive; Udd Distal Myopathy – Tibial Muscular Dystrophy; UDD MYOPATHY. Identifiers: Orphanet 609, MedGen C1838244, MONDO:0010870, OMIM 600334.
Autosomal recessive limb-girdle muscular dystrophy type 2J (LGMDR10). Also called: MUSCULAR DYSTROPHY, LIMB-GIRDLE, AUTOSOMAL RECESSIVE 10; Limb-girdle muscular dystrophy, type 2J. Identifiers: Orphanet 140922, MedGen C1837342, MONDO:0012127, OMIM 608807.
Myopathy, myofibrillar, 9, with early respiratory failure (MFM9). Also called: EDSTROM MYOPATHY; Myopathy, distal, with early respiratory failure, autosomal dominant; Hereditary myopathy with early respiratory failure; MYOPATHY, PROXIMAL, WITH EARLY RESPIRATORY MUSCLE INVOLVEMENT. Identifiers: Orphanet 178464, Orphanet 34521, MedGen C1863599, MONDO:0011362, OMIM 603689.

Submission:

Juno Genomics, Hangzhou Juno Genomics, Inc
Classification: Likely pathogenic for Early-onset myopathy with fatal cardiomyopathy; Dilated cardiomyopathy 1G; Hypertrophic cardiomyopathy 9; Autosomal recessive limb-girdle muscular dystrophy type 2J; Myopathy, myofibrillar, 9, with early respiratory failure; Tibial muscular dystrophy. Review status: criteria provided, single submitter. Criteria: ACMG Guidelines, 2015. Collection method: clinical testing. Allele origin: germline.
Comment: Absent from controls (or at extremely low frequency if recessive) in Genome Aggregation Database.;Null variant in a gene where loss of function (LOF) is a known mechanism of disease.

NM_001267550.2(TTN):c.52971_52974dup (p.Gln17659fs)

Genes: TTN (titin; minus strand), TTN-AS1 (TTN antisense RNA 1; plus strand), LOC126806425 (BRD4-independent group 4 enhancer GRCh37_chr2:179471933-179473132; plus strand). Cytogenetic location: 2q31.2.
Variant type: Duplication.
Coding change: c.52971_52974dup on transcript NM_001267550.2 (MANE Select); coding-DNA positions 52971 to 52974, 4 bases duplicated (AACA; older notation c.52971_52974dupAACA).
Protein change: p.Gln17659fs; shifts the reading frame from glutamine 17659.
Molecular consequence: frameshift variant.
Genome position (GRCh38, 1-based): chr2:178,607,813-178,607,816, TGTT duplicated on the plus strand (AACA on the coding strand, the reverse complement: TTN is on the minus strand); duplicating any 4 consecutive bases within chr2:178,607,813-178,607,817 gives the same sequence; the c. name uses the placement nearest the transcript's 3' end. VCF-style (leftmost placement, unchanged base first): chr2-178607812-G-GTGTT. GRCh37 (hg19) VCF-style: chr2-179472539-G-GTGTT.
Other names: c.48048_48051dup, p.Gln16018fs (NM_001256850.1); c.25776_25779dup, p.Gln8594fs (NM_003319.4); c.45267_45270dup, p.Gln15091fs (NM_133378.4); c.26151_26154dup, p.Gln8719fs (NM_133432.3); c.26352_26355dup, p.Gln8786fs (NM_133437.4); short protein forms Q15091fs, Q16018fs, Q17659fs, Q8594fs, Q8719fs, Q8786fs.
Identifiers: ClinVar variation 3382644 (VCV003382644.3).